The following is an entry in ClinVar:

NM_000038.6(APC):c.1129A>G (p.Lys377Glu)

Gene: APC (APC regulator of Wnt signaling pathway; plus strand). Cytogenetic location: 5q22.2.
Variant type: single nucleotide variant.
Coding change: c.1129A>G on transcript NM_000038.6 (MANE Select); coding-DNA position 1129, A replaced by G.
Protein change: p.Lys377Glu; replaces lysine 377 with glutamic acid.
Molecular consequence: missense variant. On other transcripts: non-coding transcript variant (2), intron variant (15).
Genome position (GRCh38, 1-based): chr5:112,819,161, A>G. VCF-style: chr5-112819161-A-G. GRCh37 (hg19) VCF-style: chr5-112154858-A-G.
Other names: c.1129A>G, p.Lys377Glu (NM_001127510.3, NM_001354895.2, NM_001354896.2 and 4 more transcripts); c.1075A>G, p.Lys359Glu (NM_001127511.3); c.1159A>G, p.Lys387Glu (NM_001354897.2, NM_001407446.1); c.1054A>G, p.Lys352Glu (NM_001354898.2, NM_001407451.1); c.1045A>G, p.Lys349Glu (NM_001354899.2, NM_001407452.1); c.952A>G, p.Lys318Glu (NM_001354900.2, NM_001354901.2, NM_001407453.1); c.280A>G, p.Lys94Glu (NM_001354906.2, NM_001407470.1); c.85-108A>G (NM_001407472.1, NM_001407471.1); and 5 more; short protein forms K318E, K349E, K352E, K359E, K377E, K387E, K94E.
Identifiers: ClinVar variation 4861330 (VCV004861330.1).
Genomic context (GRCh38, chr5:112,819,161, plus strand): 5'-ATCCAGCTTTTACATGGCAATGACAAAGACTCTGTATTGTTGGGAAATTCCCGGGGCAGT[A>G]AAGAGGCTCGGGCCAGGGCCAGTGCAGCACTCCACAACATCATTCACTCACAGCCTGATG-3'
Protein context (NP_000029.2, residues 367-387): SVLLGNSRGS[Lys377Glu]EARARASAAL

ClinVar aggregate classification (germline): Uncertain significance (1 of 4 stars; one submission).

Conditions:
Hereditary cancer-predisposing syndrome. Also called: Neoplastic Syndromes, Hereditary; Tumor predisposition; Hereditary Cancer Syndrome; Hereditary neoplastic syndrome. Identifiers: Orphanet 140162, MedGen C0027672, MeSH D009386, MONDO:0015356.

gnomAD v4.1: 1 of 1,614,054 alleles (0.000062%); highest among the groups gnomAD compares: Non-Finnish European, 0.000085%; no homozygotes.

Submission:

Ambry Genetics
Classification: Uncertain significance for Hereditary cancer-predisposing syndrome. Last evaluated: 2026-04-22. Review status: criteria provided, single submitter. Criteria: Ambry Variant Classification Scheme 2023. Collection method: clinical testing. Allele origin: germline.
Comment: The p.K377E variant (also known as c.1129A>G), located in coding exon 9 of the APC gene, results from an A to G substitution at nucleotide position 1129. The lysine at codon 377 is replaced by glutamic acid, an amino acid with similar properties. This amino acid position is conserved. In addition, in silico predictors for this gene do not accurately predict pathogenicity. Based on the available evidence, the clinical significance of this variant remains unclear.